The following is an entry in ClinVar:

NM_000038.6(APC):c.5133del (p.Glu1712fs)

Gene: APC (APC regulator of Wnt signaling pathway; plus strand). Cytogenetic location: 5q22.2.
Variant type: Deletion.
Coding change: c.5133del on transcript NM_000038.6 (MANE Select); coding-DNA position 5133, one base deleted (T; older notation c.5133delT).
Protein change: p.Glu1712fs; shifts the reading frame from glutamic acid 1712.
Molecular consequence: frameshift variant.
Genome position (GRCh38, 1-based): chr5:112,840,727, T deleted. VCF-style (leftmost placement, unchanged base first): chr5-112840726-CT-C. GRCh37 (hg19) VCF-style: chr5-112176423-CT-C.
Other names: c.5133del, p.Glu1712fs (NM_001127510.3, NM_001354895.2); c.5079del, p.Glu1694fs (NM_001127511.3); c.5187del, p.Glu1730fs (NM_001354896.2); c.5163del, p.Glu1722fs (NM_001354897.2); c.5058del, p.Glu1687fs (NM_001354898.2); c.5049del, p.Glu1684fs (NM_001354899.2); c.5010del, p.Glu1671fs (NM_001354900.2); c.4956del, p.Glu1653fs (NM_001354901.2); and 17 more; short protein forms E1429fs, E1586fs, E1621fs, E1671fs, E1684fs, E1730fs, E1653fs, E1694fs.
Identifiers: ClinVar variation 2027006 (VCV002027006.5), dbSNP rs2533623495, ClinGen allele CA2580072618.

ClinVar aggregate classification (germline): Pathogenic. Review status: criteria provided, multiple submitters, no conflicts (2 of 4 stars). 2 submissions from 2 submitters: Pathogenic (2). Last evaluated 2023-07-06.

Conditions:
Familial multiple polyposis syndrome (FAP). Also called: Familial Adenomatous Polyposis (FAP); Familial adenomatous polyposis; Familial intestinal polyposis; Familial polyposis; Classic familial adenomatous polyposis. Identifiers: Orphanet 733, MedGen C0032580, MONDO:0021055. Disease mechanism: loss of function.
Familial adenomatous polyposis 1 (FAP1). Also called: FAMILIAL ADENOMATOUS POLYPOSIS 1, ATTENUATED; POLYPOSIS, ADENOMATOUS INTESTINAL. Identifiers: MedGen C2713442, MONDO:0021056, OMIM 175100. Disease mechanism: loss of function.

Submissions (2):

Women's Health and Genetics/Laboratory Corporation of America, LabCorp
Classification: Pathogenic for Familial multiple polyposis syndrome. Last evaluated: 2023-07-06. Review status: criteria provided, single submitter. Criteria: LabCorp Variant Classification Summary - May 2015. Collection method: clinical testing. Allele origin: germline.
Comment: Variant summary: APC c.5133delT (p.Glu1712AsnfsX32) results in a premature termination codon, predicted to cause a truncation of the encoded protein, which is a commonly known mechanism for disease. While this variant is not expected to result in nonsense-mediated decay, it is expected to disrupt the last 1132 amino acids of the protein, which encode the basic domain (IPR009234) and EB-1 binding domain (IPR009232). At least one variant downstream of this position, namely c.5582_5585delCTTT (p.Ser1861X), has been reported as pathogenic by our laboratory. The variant was absent in 250026 control chromosomes (gnomAD). To our knowledge, no occurrence of c.5133delT in individuals affected with Familial Adenomatous Polyposis and no experimental evidence demonstrating its impact on protein function have been reported. One submitter has reported clinical-significance assessments for this variant to ClinVar after 2014 and has classified the variant as pathogenic. Based on the evidence outlined above, the variant was classified as pathogenic.

Labcorp Genetics (formerly Invitae), Labcorp
Classification: Pathogenic for Familial adenomatous polyposis 1. Last evaluated: 2022-08-26. Review status: criteria provided, single submitter. Criteria: Invitae Variant Classification Sherloc (09022015). Collection method: clinical testing. Allele origin: germline.
Comment: For these reasons, this variant has been classified as Pathogenic. A different truncation (p.Tyr2645Lysfs*14) that lies downstream of this variant has been determined to be pathogenic (PMID: 9824584, 1316610, 27081525, 8381579, 22135120, Invitae). This suggests that deletion of this region of the APC protein is causative of disease. This variant is expected to disrupt the EB1 and HDLG binding sites, which mediate interactions with the cytoskeleton (PMID: 15311282, 17293347). While functional studies have not been performed to directly test the effect on APC protein function, this suggests that disruption of the C-terminal portion of the protein is functionally important. This variant has not been reported in the literature in individuals affected with APC-related conditions. This variant is not present in population databases (gnomAD no frequency). This sequence change creates a premature translational stop signal (p.Glu1712Asnfs*32) in the APC gene. While this is not anticipated to result in nonsense mediated decay, it is expected to disrupt the last 1132 amino acid(s) of the APC protein.

Literature cited by the submitters: PubMed 9824584 (cited by Labcorp Genetics (formerly Invitae), Labcorp); PubMed 1316610 (cited by Labcorp Genetics (formerly Invitae), Labcorp); PubMed 27081525 (cited by Labcorp Genetics (formerly Invitae), Labcorp); PubMed 8381579 (cited by Labcorp Genetics (formerly Invitae), Labcorp); PubMed 22135120 (cited by Labcorp Genetics (formerly Invitae), Labcorp); PubMed 15311282 (cited by Labcorp Genetics (formerly Invitae), Labcorp); PubMed 17293347 (cited by Labcorp Genetics (formerly Invitae), Labcorp).